The following is an entry in ClinVar:

ClinVar aggregate classification (germline): Uncertain significance (1 of 4 stars; one submission).

Conditions:
Hyperkalemic periodic paralysis. Also called: Familial hyperkalemic periodic paralysis; Gamstorp disease. Identifiers: Orphanet 682, MedGen C0238357, MONDO:0008224, OMIM 170500, HP:0007215.

Allele frequency attached by ClinVar (database versions not stated): gnomAD exomes below 0.00001.
gnomAD v4.1: 5 of 1,595,120 alleles (0.00031%); highest among the groups gnomAD compares: Non-Finnish European, 0.00034%; no homozygotes.

Submission:

Labcorp Genetics (formerly Invitae), Labcorp
Classification: Uncertain significance for Hyperkalemic periodic paralysis. Last evaluated: 2022-06-05. Review status: criteria provided, single submitter. Criteria: Invitae Variant Classification Sherloc (09022015). Collection method: clinical testing. Allele origin: germline.
Comment: In summary, the available evidence is currently insufficient to determine the role of this variant in disease. Therefore, it has been classified as a Variant of Uncertain Significance. Algorithms developed to predict the effect of missense changes on protein structure and function output the following: SIFT: "Deleterious"; PolyPhen-2: "Benign"; Align-GVGD: "Class C0". The methionine amino acid residue is found in multiple mammalian species, which suggests that this missense change does not adversely affect protein function. ClinVar contains an entry for this variant (Variation ID: 1449021). This variant has not been reported in the literature in individuals affected with SCN4A-related conditions. This variant is present in population databases (no rsID available, gnomAD 0.001%). This sequence change replaces isoleucine, which is neutral and non-polar, with methionine, which is neutral and non-polar, at codon 854 of the SCN4A protein (p.Ile854Met).

NM_000334.4(SCN4A):c.2562C>G (p.Ile854Met)

Genes: GH-LCR (growth hormone locus control region; plus strand), SCN4A (sodium voltage-gated channel alpha subunit 4; minus strand). Cytogenetic location: 17q23.3.
Variant type: single nucleotide variant.
Coding change: c.2562C>G on transcript NM_000334.4 (MANE Select); coding-DNA position 2562, C replaced by G.
Protein change: p.Ile854Met; replaces isoleucine 854 with methionine.
Molecular consequence: missense variant.
Genome position (GRCh38, 1-based): chr17:63,951,715, G>C on the plus strand (C>G on the coding strand, the complement: SCN4A is on the minus strand). VCF-style: chr17-63951715-G-C. GRCh37 (hg19) VCF-style: chr17-62029075-G-C.
Other names: short protein forms I854M.
Identifiers: ClinVar variation 1449021 (VCV001449021.6), dbSNP rs1288151722, ClinGen allele CA400626719.
Genomic context (GRCh38, chr17:63,951,715, plus strand): 5'-GGCAGTCTCCCCCGCCTCTCCAGCCTCCCCGGCCCCGTCAGCCTCCCCGAGGCTGAGCAT[G>C]ATGTCCTTGGGGCTCAGGATCTTGCCATGCAGCAGCCCCAGGAGGAAGGCCTTGGCAAAG-3'
Protein context (NP_000325.4, residues 844-864): LHGKILSPKD[Ile854Met]MLSLGEADGA